The following is an entry in ClinVar:

NM_000053.4(ATP7B):c.1708-14A>G

Gene: ATP7B (ATPase copper transporting beta; minus strand). Cytogenetic location: 13q14.3.
Variant type: single nucleotide variant.
Coding change: c.1708-14A>G on transcript NM_000053.4 (MANE Select); 14 bases into the intron before coding-DNA position 1708, A replaced by G.
Molecular consequence: intron variant.
Genome position (GRCh38, 1-based): chr13:51,965,047, T>C on the plus strand (A>G on the coding strand, the complement: ATP7B is on the minus strand). VCF-style: chr13-51965047-T-C. GRCh37 (hg19) VCF-style: chr13-52539183-T-C.
Other names: c.1375-14A>G (NM_001243182.2); c.1708-14A>G (NM_001005918.3, NM_001330579.2, NM_001330578.2).
Identifiers: ClinVar variation 507142 (VCV000507142.9), dbSNP rs751612293, ClinGen allele CA6989247.

ClinVar aggregate classification (germline): Likely benign. Review status: criteria provided, multiple submitters, no conflicts (2 of 4 stars). 3 submissions from 3 submitters: Likely benign (3). Last evaluated 2025-09-24.

Conditions:
Wilson disease (WND). Also called: Wilson's disease. Identifiers: Orphanet 905, MedGen C0019202, MONDO:0010200, OMIM 277900. Disease mechanism: loss of function.

Allele frequency attached by ClinVar (database versions not stated): ExAC 0.00001; gnomAD 0.00001; gnomAD exomes 0.00001 and 0.00002; TOPMed 0.00001.
gnomAD v4.1: 19 of 1,613,706 alleles (0.0012%); highest among the groups gnomAD compares: African/African-American, 0.0027%; no homozygotes.

Submissions (3):

Labcorp Genetics (formerly Invitae), Labcorp
Classification: Likely benign for Wilson disease. Last evaluated: 2025-09-24. Review status: criteria provided, single submitter. Criteria: Invitae Variant Classification Sherloc (09022015). Collection method: clinical testing. Allele origin: germline.

Color Diagnostics, LLC DBA Color Health
Classification: Likely benign for Wilson disease. Last evaluated: 2023-08-01. Review status: criteria provided, single submitter. Criteria: ACMG Guidelines, 2015. Collection method: clinical testing. Allele origin: germline.

GeneDx
Classification: Likely benign. Last evaluated: 2017-02-07. Review status: criteria provided, single submitter. Criteria: GeneDx Variant Classification (06012015). Collection method: clinical testing. Allele origin: germline. Affected: yes.
Comment: This variant is considered likely benign or benign based on one or more of the following criteria: it is a conservative change, it occurs at a poorly conserved position in the protein, it is predicted to be benign by multiple in silico algorithms, and/or has population frequency not consistent with disease.